The following is an entry in ClinVar:

NM_024513.4(FYCO1):c.*455A>G

Gene: FYCO1 (FYVE and coiled-coil domain autophagy adaptor 1; minus strand). Cytogenetic location: 3p21.31.
Variant type: single nucleotide variant.
Coding change: c.*455A>G on transcript NM_024513.4 (MANE Select); 455 bases downstream of the stop codon, A replaced by G.
Molecular consequence: 3 prime UTR variant.
Genome position (GRCh38, 1-based): chr3:45,921,310, T>C on the plus strand (A>G on the coding strand, the complement: FYCO1 is on the minus strand). VCF-style: chr3-45921310-T-C. GRCh37 (hg19) VCF-style: chr3-45962802-T-C.
Identifiers: ClinVar variation 345486 (VCV000345486.6), dbSNP rs6441934, ClinGen allele CA10618701.

ClinVar aggregate classification (germline): Benign. Review status: criteria provided, multiple submitters, no conflicts (2 of 4 stars). 2 submissions from 2 submitters: Benign (2). Last evaluated 2018-01-13.

Conditions:
Cataract 18 (CATC2). Also called: CATARACT 18, AUTOSOMAL RECESSIVE. Identifiers: Orphanet 91492, Orphanet 98991, Orphanet 98992, Orphanet 98995, MedGen C1864908, MONDO:0012395, OMIM 610019.

Allele frequency attached by ClinVar (database versions not stated): gnomAD exomes 0.84083; gnomAD 0.86048 and 0.86606; TOPMed 0.87643; 1000 Genomes Project 30x 0.94191; 1000 Genomes Project 0.94269.
gnomAD v4.1: 204,863 of 239,306 alleles (86%); highest among the groups gnomAD compares: East Asian, 100%; 88,609 homozygotes.

Submissions (2):

Illumina Laboratory Services, Illumina
Classification: Benign for Cataract 18. Last evaluated: 2018-01-13. Review status: criteria provided, single submitter. Criteria: ICSL Variant Classification Criteria 13 December 2019. Collection method: clinical testing. Allele origin: germline.
Comment: This variant was observed in the ICSL laboratory as part of a predisposition screen in an ostensibly healthy population. It had not been previously curated by ICSL or reported in the Human Gene Mutation Database (HGMD: prior to June 1st, 2018), and was therefore a candidate for classification through an automated scoring system. Utilizing variant allele frequency, disease prevalence and penetrance estimates, and inheritance mode, an automated score was calculated to assess if this variant is too frequent to cause the disease. Based on the score and internal cut-off values, a variant classified as benign is not then subjected to further curation. The score for this variant resulted in a classification of benign for this disease.

Breakthrough Genomics
Classification: Benign. Review status: criteria provided, single submitter. Criteria: ACMG Guidelines, 2015. Collection method: not provided. Allele origin: germline. Inheritance: Autosomal recessive inheritance. Affected: yes.